The following is an entry in ClinVar:

ClinVar aggregate classification (germline): Uncertain significance. Review status: criteria provided, multiple submitters, no conflicts (2 of 4 stars). 2 submissions from 2 submitters: Uncertain significance (2). Last evaluated 2024-01-09.

Conditions:
Microcephaly, normal intelligence and immunodeficiency (NBS). Also called: IMMUNODEFICIENCY, MICROCEPHALY, AND CHROMOSOMAL INSTABILITY; SEEMANOVA SYNDROME II; Nijmegen breakage syndrome; Microcephaly with normal intelligence immunodeficiency and lymphoreticular malignancies; Nonsyndromal microcephaly autosomal recessive with normal intelligence; Seemanova syndrome 2. Identifiers: Orphanet 647, MedGen C0398791, MONDO:0009623, OMIM 251260.
Hereditary cancer-predisposing syndrome. Also called: Neoplastic Syndromes, Hereditary; Tumor predisposition; Hereditary neoplastic syndrome; Hereditary Cancer Syndrome. Identifiers: Orphanet 140162, MedGen C0027672, MeSH D009386, MONDO:0015356.

Allele frequency attached by ClinVar (database versions not stated): gnomAD exomes below 0.00001; ExAC 0.00001.
gnomAD v4.1: 1 of 1,613,918 alleles (0.000062%); highest among the groups gnomAD compares: South Asian, 0.0011%; no homozygotes.

Submissions (2):

Labcorp Genetics (formerly Invitae), Labcorp
Classification: Uncertain significance for Microcephaly, normal intelligence and immunodeficiency. Last evaluated: 2024-01-09. Review status: criteria provided, single submitter. Criteria: Invitae Variant Classification Sherloc (09022015). Collection method: clinical testing. Allele origin: germline.
Comment: This sequence change replaces glutamic acid, which is acidic and polar, with glycine, which is neutral and non-polar, at codon 255 of the NBN protein (p.Glu255Gly). This variant is present in population databases (rs754243946, gnomAD 0.003%). This variant has not been reported in the literature in individuals affected with NBN-related conditions. ClinVar contains an entry for this variant (Variation ID: 1759967). An algorithm developed to predict the effect of missense changes on protein structure and function (PolyPhen-2) suggests that this variant is likely to be tolerated. In summary, the available evidence is currently insufficient to determine the role of this variant in disease. Therefore, it has been classified as a Variant of Uncertain Significance.

Ambry Genetics
Classification: Uncertain significance for Hereditary cancer-predisposing syndrome. Last evaluated: 2021-11-03. Review status: criteria provided, single submitter. Criteria: Ambry Variant Classification Scheme 2023. Collection method: clinical testing. Allele origin: germline.
Comment: The p.E255G variant (also known as c.764A>G), located in coding exon 7 of the NBN gene, results from an A to G substitution at nucleotide position 764. The glutamic acid at codon 255 is replaced by glycine, an amino acid with similar properties. This amino acid position is not well conserved in available vertebrate species. In addition, this alteration is predicted to be tolerated by in silico analysis. Since supporting evidence is limited at this time, the clinical significance of this alteration remains unclear.

NM_002485.5(NBN):c.764A>G (p.Glu255Gly)

Gene: NBN (nibrin; minus strand). Cytogenetic location: 8q21.3.
Variant type: single nucleotide variant.
Coding change: c.764A>G on transcript NM_002485.5 (MANE Select); coding-DNA position 764, A replaced by G.
Protein change: p.Glu255Gly; replaces glutamic acid 255 with glycine.
Molecular consequence: missense variant.
Genome position (GRCh38, 1-based): chr8:89,970,496, T>C on the plus strand (A>G on the coding strand, the complement: NBN is on the minus strand). VCF-style: chr8-89970496-T-C. GRCh37 (hg19) VCF-style: chr8-90982724-T-C.
Other names: c.518A>G, p.Glu173Gly (NM_001024688.3); short protein forms E255G, E173G.
Identifiers: ClinVar variation 1759967 (VCV001759967.5), dbSNP rs754243946, ClinGen allele CA4802888.
Genomic context (GRCh38, chr8:89,970,496, plus strand): 5'-ATTCCTGTATCAACAACACACGTTCCCGGAGCCAAAAAGAAATTATGTTCTTCTTCATTC[T>C]CTTCTGTTATCAACCTAGCTTCCCCACCTCCAAAGACAACTGCGGAACTCAATTTCTTAT-3'
Protein context (NP_002476.2, residues 245-265): GGGEARLITE[Glu255Gly]NEEEHNFFLA